The following is an entry in ClinVar:

ClinVar aggregate classification (germline): Benign (0 of 4 stars; one submission).

Conditions:
HELQ-related disorder. Also called: HELQ-related condition.

Allele frequency attached by ClinVar (database versions not stated): ESP Exome Variant Server 0.32248; TOPMed 0.34471; gnomAD 0.35482; 1000 Genomes Project 30x 0.40896; 1000 Genomes Project 0.41454; ExAC 0.43360.
gnomAD v4.1: 655,360 of 1,598,946 alleles (41%); highest among the groups gnomAD compares: East Asian, 64%; 141,247 homozygotes.

Submission:

PreventionGenetics, part of Exact Sciences
Classification: Benign for HELQ-related condition. Last evaluated: 2019-10-21. Review status: no assertion criteria provided. Collection method: clinical testing. Allele origin: germline.
Comment: This variant is classified as benign based on ACMG/AMP sequence variant interpretation guidelines (Richards et al. 2015 PMID: 25741868, with internal and published modifications).

NM_133636.5(HELQ):c.1036T>C (p.Leu346=)

Gene: HELQ (helicase, POLQ like; minus strand). Cytogenetic location: 4q21.23.
Variant type: single nucleotide variant.
Coding change: c.1036T>C on transcript NM_133636.5 (MANE Select); coding-DNA position 1036, T replaced by C.
Protein change: p.Leu346=; no amino-acid change (leucine 346 retained).
Molecular consequence: synonymous variant. On other transcripts: 5 prime UTR variant (2).
Genome position (GRCh38, 1-based): chr4:83,448,938, A>G on the plus strand (T>C on the coding strand, the complement: HELQ is on the minus strand). VCF-style: chr4-83448938-A-G. GRCh37 (hg19) VCF-style: chr4-84370091-A-G.
Other names: c.1036T>C, p.Leu346= (NM_001297755.2); c.-469T>C (NM_001297756.2); c.-499T>C (NM_001297757.2).
Identifiers: ClinVar variation 3060320 (VCV003060320.2), dbSNP rs13141136, ClinGen allele CA2989856.